The following is an entry in ClinVar:

ClinVar aggregate classification (germline): Uncertain significance. Review status: criteria provided, multiple submitters, no conflicts (2 of 4 stars). 3 submissions from 3 submitters: Uncertain significance (3). Last evaluated 2025-12-30.

Conditions:
Fanconi anemia (FA). Also called: Fanconi's anemia. Identifiers: Orphanet 84, MedGen C0015625, MeSH D005199, MONDO:0019391.
Fanconi anemia complementation group A (FANCA). Also called: Fanconi anemia, group A; FANCA-Related Fanconi Anemia. Identifiers: Orphanet 84, MedGen C3469521, MONDO:0009215, OMIM 227650.

gnomAD v4.1: 13 of 1,614,170 alleles (0.00081%); highest among the groups gnomAD compares: East Asian, 0.0045%; no homozygotes.

Submissions (3):

Labcorp Genetics (formerly Invitae), Labcorp
Classification: Uncertain significance for Fanconi anemia. Last evaluated: 2025-12-30. Review status: criteria provided, single submitter. Criteria: Invitae Variant Classification Sherloc (09022015). Collection method: clinical testing. Allele origin: germline.
Comment: This sequence change replaces glutamic acid, which is acidic and polar, with lysine, which is basic and polar, at codon 1293 of the FANCA protein (p.Glu1293Lys). This variant is not present in population databases (gnomAD no frequency). This variant has not been reported in the literature in individuals affected with FANCA-related conditions. ClinVar contains an entry for this variant (Variation ID: 1338090). Invitae Evidence Modeling of protein sequence and biophysical properties (such as structural, functional, and spatial information, amino acid conservation, physicochemical variation, residue mobility, and thermodynamic stability) indicates that this missense variant is not expected to disrupt FANCA protein function with a negative predictive value of 95%. In summary, the available evidence is currently insufficient to determine the role of this variant in disease. Therefore, it has been classified as a Variant of Uncertain Significance.

Fulgent Genetics
Classification: Uncertain significance for Fanconi anemia complementation group A. Last evaluated: 2024-03-02. Review status: criteria provided, single submitter. Criteria: ACMG Guidelines, 2015. Collection method: clinical testing. Allele origin: germline.

Genetic Services Laboratory, University of Chicago
Classification: Uncertain significance. Last evaluated: 2021-10-01. Review status: criteria provided, single submitter. Criteria: ACMG Guidelines, 2015. Collection method: clinical testing. Allele origin: germline. Affected: no.
Comment: DNA sequence analysis of the FANCA gene demonstrated a sequence change, c.3877G>A, in exon 39 that results in an amino acid change, p.Glu1293Lys. This sequence change does not appear to have been previously described in individuals with FANCA-related disorders and has also not been described in the population databases such as ExAC and gnomAD (dbSNP rs1015729981). The p.Glu1293Lys change affects a poorly conserved amino acid residue located in a domain of the FANCA protein that is known to be functional. The p.Glu1293Lys substitution appears to be benign using several in-silico pathogenicity prediction tools (SIFT, PolyPhen2, Align GVGD, REVEL). Due to insufficient evidences and the lack of functional studies, the clinical significance of the p.Glu1293Lys change remains unknown at this time.

NM_000135.4(FANCA):c.3877G>A (p.Glu1293Lys)

Genes: ZNF276 (zinc finger protein 276; plus strand), FANCA (FA complementation group A; minus strand). Cytogenetic location: 16q24.3.
Variant type: single nucleotide variant.
Coding change: c.3877G>A on transcript NM_000135.4 (MANE Select); coding-DNA position 3877, G replaced by A.
Protein change: p.Glu1293Lys; replaces glutamic acid 1293 with lysine.
Molecular consequence: missense variant. On other transcripts: 3 prime UTR variant (2), non-coding transcript variant (4).
Genome position (GRCh38, 1-based): chr16:89,740,051, C>T on the plus strand (G>A on the coding strand, the complement: FANCA is on the minus strand). VCF-style: chr16-89740051-C-T. GRCh37 (hg19) VCF-style: chr16-89806459-C-T.
Other names: c.3877G>A, p.Glu1293Lys (NM_001286167.3); c.*1805C>T (NM_001113525.2, NM_152287.4); short protein forms E1293K.
Identifiers: ClinVar variation 1338090 (VCV001338090.7), dbSNP rs1015729981, ClinGen allele CA286617821.